The following is an entry in ClinVar:

NM_031935.3(HMCN1):c.16712T>C (p.Met5571Thr)

Gene: HMCN1 (hemicentin 1; plus strand). Cytogenetic location: 1q31.1.
Variant type: single nucleotide variant.
Coding change: c.16712T>C on transcript NM_031935.3 (MANE Select); coding-DNA position 16712, T replaced by C.
Protein change: p.Met5571Thr; replaces methionine 5571 with threonine.
Molecular consequence: missense variant.
Genome position (GRCh38, 1-based): chr1:186,189,682, T>C. VCF-style: chr1-186189682-T-C. GRCh37 (hg19) VCF-style: chr1-186158814-T-C.
Other names: short protein forms M5571T.
Identifiers: ClinVar variation 3700762 (VCV003700762.2).
Genomic context (GRCh38, chr1:186,189,682, plus strand): 5'-TAATCCGGCTGGTTGCATACACACAGGATGGAGTGATGCATCCCAGGACAACTTTCCTCA[T>C]GGTAGATGAGGAACAGACTGTTCCTTTTGCCTTGAGGGATGAAAACCTGAAAGGAGTGGT-3'
Protein context (NP_114141.2, residues 5561-5581): GVMHPRTTFL[Met5571Thr]VDEEQTVPFA

ClinVar aggregate classification (germline): Uncertain significance (1 of 4 stars; one submission).

gnomAD v4.1: 8 of 1,612,488 alleles (0.0005%); highest among the groups gnomAD compares: African/African-American, 0.0094%; no homozygotes.

Submission:

Labcorp Genetics (formerly Invitae), Labcorp
Classification: Uncertain significance. Last evaluated: 2024-12-26. Review status: criteria provided, single submitter. Criteria: Invitae Variant Classification Sherloc (09022015). Collection method: clinical testing. Allele origin: germline.
Comment: This sequence change replaces methionine, which is neutral and non-polar, with threonine, which is neutral and polar, at codon 5571 of the HMCN1 protein (p.Met5571Thr). This variant is present in population databases (rs369941965, gnomAD 0.01%). This variant has not been reported in the literature in individuals affected with HMCN1-related conditions. An algorithm developed to predict the effect of missense changes on protein structure and function (PolyPhen-2) suggests that this variant is likely to be disruptive. In summary, the available evidence is currently insufficient to determine the role of this variant in disease. Therefore, it has been classified as a Variant of Uncertain Significance.